The following is an entry in ClinVar:

ClinVar aggregate classification (germline): Uncertain significance. Review status: criteria provided, multiple submitters, no conflicts (2 of 4 stars). 3 submissions from 3 submitters: Uncertain significance (3). Last evaluated 2025-05-25.

Conditions:
Familial cancer of breast. Also called: BREAST CANCER, FAMILIAL; Hereditary breast cancer; hereditary breast carcinoma. Identifiers: Orphanet 227535, MedGen C0346153, MONDO:0016419, OMIM 114480. Disease mechanism: loss of function.
Hereditary cancer-predisposing syndrome. Also called: Neoplastic Syndromes, Hereditary; Tumor predisposition; Hereditary Cancer Syndrome; Hereditary neoplastic syndrome. Identifiers: Orphanet 140162, MedGen C0027672, MeSH D009386, MONDO:0015356.

Submissions (3):

Labcorp Genetics (formerly Invitae), Labcorp
Classification: Uncertain significance for Familial cancer of breast. Last evaluated: 2025-05-25. Review status: criteria provided, single submitter. Criteria: Invitae Variant Classification Sherloc (09022015). Collection method: clinical testing. Allele origin: germline.
Comment: This sequence change replaces glycine, which is neutral and non-polar, with serine, which is neutral and polar, at codon 753 of the BARD1 protein (p.Gly753Ser). This variant is not present in population databases (gnomAD no frequency). This variant has not been reported in the literature in individuals affected with BARD1-related conditions. ClinVar contains an entry for this variant (Variation ID: 187014). An algorithm developed to predict the effect of missense changes on protein structure and function (PolyPhen-2) suggests that this variant is likely to be disruptive. In summary, the available evidence is currently insufficient to determine the role of this variant in disease. Therefore, it has been classified as a Variant of Uncertain Significance.

PreventionGenetics, part of Exact Sciences
Classification: Uncertain significance. Last evaluated: 2017-12-05. Review status: criteria provided, single submitter. Criteria: ACMG Guidelines, 2015. Collection method: clinical testing. Allele origin: germline.

Ambry Genetics
Classification: Uncertain significance for Hereditary cancer-predisposing syndrome. Last evaluated: 2014-11-06. Review status: criteria provided, single submitter. Criteria: Ambry Variant Classification Scheme 2023. Collection method: clinical testing. Allele origin: germline.
Comment: The p.G753S variant (also known as c.2257G>A), located in coding exon 11 of the BARD1 gene, results from a G to A substitution at nucleotide position 2257. The glycine at codon 753 is replaced by serine, an amino acid with similar properties. This variant was not reported in population based cohorts in the following databases: Database of Single Nucleotide Polymorphisms (dbSNP), NHLBI Exome Sequencing Project (ESP), and 1000 Genomes Project. In the ESP, this variant was not observed in 6503 samples (13006 alleles) with coverage at this position. To date, this alteration has been detected with an allele frequency of approximately 0.005% (greater than 22000 alleles tested) in our clinical cohort. This amino acid position is highly conserved in available vertebrate species. In addition, the in silico prediction for this alteration is inconclusive.Since supporting evidence is limited at this time, the clinical significance of p.G753S remains unclear.

NM_000465.4(BARD1):c.2257G>A (p.Gly753Ser)

Gene: BARD1 (BRCA1 associated RING domain 1; minus strand). Cytogenetic location: 2q35.
Variant type: single nucleotide variant.
Coding change: c.2257G>A on transcript NM_000465.4 (MANE Select); coding-DNA position 2257, G replaced by A.
Protein change: p.Gly753Ser; replaces glycine 753 with serine.
Molecular consequence: missense variant. On other transcripts: non-coding transcript variant (3).
Genome position (GRCh38, 1-based): chr2:214,728,753, C>T on the plus strand (G>A on the coding strand, the complement: BARD1 is on the minus strand). VCF-style: chr2-214728753-C-T. GRCh37 (hg19) VCF-style: chr2-215593477-C-T.
Other names: c.2200G>A, p.Gly734Ser (NM_001282543.2); c.904G>A, p.Gly302Ser (NM_001282545.2); c.847G>A, p.Gly283Ser (NM_001282548.2); c.718G>A, p.Gly240Ser (NM_001282549.2); short protein forms G753S, G283S, G240S, G734S, G302S.
Identifiers: ClinVar variation 187014 (VCV000187014.9), dbSNP rs786203405, ClinGen allele CA196501.